The following is an entry in ClinVar:

ClinVar aggregate classification (germline): Likely benign (1 of 4 stars; one submission).

Allele frequency attached by ClinVar (database versions not stated): gnomAD 0.01132 and 0.01209; TOPMed 0.01240; 1000 Genomes Project 0.01318; 1000 Genomes Project 30x 0.01437.
gnomAD v4.1: 2,485 of 804,196 alleles (0.31%); highest among the groups gnomAD compares: African/African-American, 3.8%; 50 homozygotes.

Submissions (2):

GeneDx
Classification: Likely benign. Last evaluated: 2018-06-19. Review status: criteria provided, single submitter. Criteria: GeneDx Variant Classification (06012015). Collection method: clinical testing. Allele origin: germline. Affected: yes.
Comment: This variant is considered likely benign or benign based on one or more of the following criteria: it is a conservative change, it occurs at a poorly conserved position in the protein, it is predicted to be benign by multiple in silico algorithms, and/or has population frequency not consistent with disease.

Dr. Peter K. Rogan Lab, Western University
No classification provided (evidence only). Condition: Familial cancer of breast. Review status: no classification provided. Collection method: in vitro. Allele origin: not applicable. Functional consequence: retained intron. Not counted in ClinVar's aggregate classification.

NM_001958.5(EEF1A2):c.1029+167C>T

Gene: EEF1A2 (eukaryotic translation elongation factor 1 alpha 2; minus strand). Cytogenetic location: 20q13.33.
Variant type: single nucleotide variant.
Coding change: c.1029+167C>T on transcript NM_001958.5 (MANE Select); 167 bases into the intron after coding-DNA position 1029, C replaced by T.
Molecular consequence: intron variant.
Genome position (GRCh38, 1-based): chr20:63,490,312, G>A on the plus strand (C>T on the coding strand, the complement: EEF1A2 is on the minus strand). VCF-style: chr20-63490312-G-A. GRCh37 (hg19) VCF-style: chr20-62121665-G-A.
Other names: NC_000020.10:g.62121665G>A.
Identifiers: ClinVar variation 677675 (VCV000677675.2), dbSNP rs141887309, ClinGen allele CA317437480.